The following is an entry in ClinVar:

ClinVar aggregate classification (germline): risk factor (0 of 4 stars; one submission).

Conditions:
Paroxysmal nocturnal hemoglobinuria 2 (PNH2). Identifiers: Orphanet 447, MedGen C3809369, MONDO:0014166, OMIM 615399.

Submission:

Institute for Medical Genetics and Human Genetics, Charité - Universitätsmedizin Berlin
Classification: risk factor for Paroxysmal nocturnal hemoglobinuria 2. Last evaluated: 2018-06-01. Review status: no assertion criteria provided. Collection method: clinical testing, research. Allele origin: germline, not applicable. Inheritance: Autosomal recessive inheritance. Affected: yes. Observed: 1 compound heterozygote. Functional consequence: RNA degradation by nonsense-mediated decay.

NM_015937.6(PIGT):c.767_770del (p.Lys256fs)

Gene: PIGT (phosphatidylinositol glycan anchor biosynthesis class T; plus strand). Cytogenetic location: 20q13.12.
Variant type: Microsatellite.
Coding change: c.767_770del on transcript NM_015937.6 (MANE Select); coding-DNA positions 767 to 770, 4 bases deleted (AAAG; older notation c.767_770delAAAG).
Protein change: p.Lys256fs; shifts the reading frame from lysine 256.
Molecular consequence: frameshift variant. On other transcripts: non-coding transcript variant (5).
Genome position (GRCh38, 1-based): chr20:45,420,220-45,420,223, AAAG deleted; deleting any 4 consecutive bases within chr20:45,420,215-45,420,223 gives the same sequence; the c. name uses the placement nearest the transcript's 3' end. VCF-style (leftmost placement, unchanged base first): chr20-45420214-GGAAA-G. GRCh37 (hg19) VCF-style: chr20-44048854-GGAAA-G.
Other names: c.599_602del, p.Lys200fs (NM_001184728.3); c.767_770del, p.Lys256fs (NM_001184729.3); c.461_464del, p.Lys154fs (NM_001184730.3); short protein forms K256fs, K154fs, K200fs.
Identifiers: ClinVar variation 599265 (VCV000599265.4), dbSNP rs776974834, ClinGen allele CA9878032.